The following is an entry in ClinVar:

NM_002227.4(JAK1):c.914A>G (p.Asn305Ser)

Gene: JAK1 (Janus kinase 1; minus strand). Cytogenetic location: 1p31.3.
Variant type: single nucleotide variant.
Coding change: c.914A>G on transcript NM_002227.4 (MANE Select); coding-DNA position 914, A replaced by G.
Protein change: p.Asn305Ser; replaces asparagine 305 with serine.
Molecular consequence: missense variant.
Genome position (GRCh38, 1-based): chr1:64,866,942, T>C on the plus strand (A>G on the coding strand, the complement: JAK1 is on the minus strand). VCF-style: chr1-64866942-T-C. GRCh37 (hg19) VCF-style: chr1-65332625-T-C.
Other names: c.914A>G, p.Asn305Ser (NM_001320923.2, NM_001321852.2, NM_001321853.2 and 4 more transcripts); short protein forms N305S.
Identifiers: ClinVar variation 2421509 (VCV002421509.6), dbSNP rs1365195531, ClinGen allele CA340674994.

ClinVar aggregate classification (germline): Uncertain significance (1 of 4 stars; one submission).

Allele frequency attached by ClinVar (database versions not stated): gnomAD exomes 0.00001; TOPMed 0.00001.
gnomAD v4.1: 3 of 1,614,238 alleles (0.00019%); highest among the groups gnomAD compares: Admixed American, 0.005%; no homozygotes.

Submission:

Labcorp Genetics (formerly Invitae), Labcorp
Classification: Uncertain significance. Last evaluated: 2022-07-10. Review status: criteria provided, single submitter. Criteria: Invitae Variant Classification Sherloc (09022015). Collection method: clinical testing. Allele origin: germline.
Comment: In summary, the available evidence is currently insufficient to determine the role of this variant in disease. Therefore, it has been classified as a Variant of Uncertain Significance. Algorithms developed to predict the effect of missense changes on protein structure and function output the following: SIFT: "Not Available"; PolyPhen-2: "Benign"; Align-GVGD: "Not Available". The serine amino acid residue is found in multiple mammalian species, which suggests that this missense change does not adversely affect protein function. This variant has not been reported in the literature in individuals affected with JAK1-related conditions. This variant is present in population databases (no rsID available, gnomAD 0.006%). This sequence change replaces asparagine, which is neutral and polar, with serine, which is neutral and polar, at codon 305 of the JAK1 protein (p.Asn305Ser).